The following is an entry in ClinVar:

NM_000161.3(GCH1):c.626+1G>C

Gene: GCH1 (GTP cyclohydrolase 1; minus strand). Cytogenetic location: 14q22.2.
Variant type: single nucleotide variant.
Coding change: c.626+1G>C on transcript NM_000161.3 (MANE Select); the canonical splice donor site of the intron after coding-DNA position 626, G replaced by C.
Molecular consequence: splice donor variant. On other transcripts: intron variant (1).
Genome position (GRCh38, 1-based): chr14:54,845,767, C>G on the plus strand (G>C on the coding strand, the complement: GCH1 is on the minus strand). VCF-style: chr14-54845767-C-G. GRCh37 (hg19) VCF-style: chr14-55312485-C-G.
Other names: c.510-2713G>C (NM_001424104.1); c.626+1G>C (NM_001024071.2, NM_001024070.2, NM_001024024.2); c.332+1G>C (NM_001424105.1).
Identifiers: ClinVar variation 3340309 (VCV003340309.1).

ClinVar aggregate classification (germline): Pathogenic (1 of 4 stars; one submission).

Submission:

GeneDx
Classification: Pathogenic. Last evaluated: 2023-11-04. Review status: criteria provided, single submitter. Criteria: GeneDx Variant Classification Process June 2021. Collection method: clinical testing. Allele origin: germline. Affected: yes.
Comment: Canonical splice site variant predicted to result in a null allele in a gene for which loss of function is a known mechanism of disease; Not observed at significant frequency in large population cohorts (gnomAD); This variant is associated with the following publications: (PMID: 25525159, 15303002, 29484265, 24993959, 29948246, 35041927, 29034893)